The following is an entry in ClinVar:

ClinVar aggregate classification (germline): Likely benign (1 of 4 stars; one submission).

gnomAD v4.1: 101 of 152,310 alleles (0.066%); highest among the groups gnomAD compares: Non-Finnish European, 0.12%; no homozygotes.

Submission:

Dasa
Classification: Likely benign. Last evaluated: 2025-11-05. Review status: criteria provided, single submitter. Criteria: DASA Assertion Criteria. Collection method: clinical testing. Allele origin: germline.
Comment: NM_007194.4(CHEK2):c.-7+209A>T is a splice-region variant. Population frequency is inconsistent with a disease-causing role for this variant, and the variant context is inconsistent with a known disease-causing mechanism. Therefore, based on the currently available evidence, this variant is classified as likely benign.

NM_007194.4(CHEK2):c.-7+209A>T

Gene: CHEK2 (checkpoint kinase 2; minus strand). Cytogenetic location: 22q12.1.
Variant type: single nucleotide variant.
Coding change: c.-7+209A>T on transcript NM_007194.4 (MANE Select); 209 bases into the intron after 7 bases upstream of the start codon, A replaced by T.
Molecular consequence: intron variant.
Genome position (GRCh38, 1-based): chr22:28,741,560, T>A on the plus strand (A>T on the coding strand, the complement: CHEK2 is on the minus strand). VCF-style: chr22-28741560-T-A. GRCh37 (hg19) VCF-style: chr22-29137548-T-A.
Other names: c.-345+209A>T (NM_001437942.1); c.-7+209A>T (NM_001349956.3, NM_145862.3, NM_001438295.1 and 3 more transcripts); c.-784+209A>T (NM_001257387.3).
Identifiers: ClinVar variation 4884170 (VCV004884170.2).
Genomic context (GRCh38, chr22:28,741,560, plus strand): 5'-TTTTACGAAGTCACTTCGCTCTGATATTGAAGAATACAACGCTGTTCTTCTTATCCTGTA[T>A]GTTCAGGCCTGTTTCAGCTTGCAAGTAATACGGGAAGTGAACTTCACCTCGAGGATGATC-3'